The following is an entry in ClinVar:

NM_000252.3(MTM1):c.481G>A (p.Val161Met)

Gene: MTM1 (myotubularin 1; plus strand). Cytogenetic location: Xq28.
Variant type: single nucleotide variant.
Coding change: c.481G>A on transcript NM_000252.3 (MANE Select); coding-DNA position 481, G replaced by A.
Protein change: p.Val161Met; replaces valine 161 with methionine.
Molecular consequence: missense variant.
Genome position (GRCh38, 1-based): chrX:150,638,979, G>A. VCF-style: chrX-150638979-G-A. GRCh37 (hg19) VCF-style: chrX-149807452-G-A.
Other names: c.481G>A, p.Val161Met (NM_001376906.1, NM_001376908.1); c.370G>A, p.Val124Met (NM_001376907.1); short protein forms V161M, V124M.
Identifiers: ClinVar variation 572307 (VCV000572307.10), dbSNP rs782744530, ClinGen allele CA10539119.
Genomic context (GRCh38, chrX:150,638,979, plus strand): 5'-TTATTTATTTTTTGCCTTTTCTAGCCATTATTTGCATTTTTAAATGAAGAAAAGTTTAAC[G>A]TGGATGGATGGACAGTTTACAATCCAGTGGAAGAATACAGGAGGCAGGTAAGATGTTAGA-3'
Protein context (NP_000243.1, residues 151-171): FAFLNEEKFN[Val161Met]DGWTVYNPVE

ClinVar aggregate classification (germline): Uncertain significance. Review status: criteria provided, multiple submitters, no conflicts (2 of 4 stars). 3 submissions from 3 submitters: Uncertain significance (2). 1 of the submissions does not count toward it. Last evaluated 2025-08-18.

Conditions:
Severe X-linked myotubular myopathy (CNMX). Also called: MYOTUBULAR MYOPATHY 1; X-linked centronuclear myopathy; Myotubular myopathy, X-linked. Identifiers: Orphanet 596, MedGen C0410203, MONDO:0010683, OMIM 310400.

Allele frequency attached by ClinVar (database versions not stated): ExAC 0.00001; gnomAD exomes 0.00002; gnomAD 0.00005 and 0.00006; TOPMed 0.00008.
gnomAD v4.1: 26 of 1,207,333 alleles (0.0022%); highest among the groups gnomAD compares: Admixed American, 0.011%; no homozygotes.

Submissions (3):

Labcorp Genetics (formerly Invitae), Labcorp
Classification: Uncertain significance for Severe X-linked myotubular myopathy. Last evaluated: 2025-08-18. Review status: criteria provided, single submitter. Criteria: Invitae Variant Classification Sherloc (09022015). Collection method: clinical testing. Allele origin: germline.
Comment: This sequence change replaces valine, which is neutral and non-polar, with methionine, which is neutral and non-polar, at codon 161 of the MTM1 protein (p.Val161Met). This variant is present in population databases (rs782744530, gnomAD 0.01%). This missense change has been observed in individual(s) with limb girdle muscular dystrophy (PMID: 27017278). ClinVar contains an entry for this variant (Variation ID: 572307). Invitae Evidence Modeling of protein sequence and biophysical properties (such as structural, functional, and spatial information, amino acid conservation, physicochemical variation, residue mobility, and thermodynamic stability) indicates that this missense variant is not expected to disrupt MTM1 protein function with a negative predictive value of 80%. In summary, the available evidence is currently insufficient to determine the role of this variant in disease. Therefore, it has been classified as a Variant of Uncertain Significance.

Greenwood Genetic Center Diagnostic Laboratories, Greenwood Genetic Center
Classification: Uncertain significance. Last evaluated: 2022-09-07. Review status: criteria provided, single submitter. Criteria: ACMG Guidelines, 2015. Collection method: clinical testing. Allele origin: germline. Affected: yes.
Comment: PM2

Natera, Inc.
Classification: Uncertain significance for Severe X-linked myotubular myopathy. Last evaluated: 2020-07-14. Review status: no assertion criteria provided. Collection method: clinical testing. Allele origin: germline. Not counted in ClinVar's aggregate classification.

Literature cited by the submitters: PubMed 27017278 (cited by Labcorp Genetics (formerly Invitae), Labcorp).